The following is an entry in ClinVar:

ClinVar aggregate classification (germline): Uncertain significance. Review status: criteria provided, multiple submitters, no conflicts (2 of 4 stars). 2 submissions from 2 submitters: Uncertain significance (2). Last evaluated 2022-07-26.

Conditions:
Charcot-Marie-Tooth disease type 4. Also called: Charcot-Marie-Tooth disease, type IV; Charcot-Marie-Tooth, Type 4. Identifiers: Orphanet 64749, MedGen C4082197, MONDO:0018995.

Allele frequency attached by ClinVar (database versions not stated): gnomAD exomes below 0.00001; ExAC 0.00001.

Submissions (2):

Labcorp Genetics (formerly Invitae), Labcorp
Classification: Uncertain significance for Charcot-Marie-Tooth disease type 4. Last evaluated: 2022-07-26. Review status: criteria provided, single submitter. Criteria: Invitae Variant Classification Sherloc (09022015). Collection method: clinical testing. Allele origin: germline.
Comment: This sequence change replaces tyrosine, which is neutral and polar, with cysteine, which is neutral and slightly polar, at codon 400 of the FIG4 protein (p.Tyr400Cys). This variant is present in population databases (rs755232396, gnomAD 0.0009%). This variant has not been reported in the literature in individuals affected with FIG4-related conditions. ClinVar contains an entry for this variant (Variation ID: 580879). Algorithms developed to predict the effect of missense changes on protein structure and function are either unavailable or do not agree on the potential impact of this missense change (SIFT: "Deleterious"; PolyPhen-2: "Probably Damaging"; Align-GVGD: "Class C15"). In summary, the available evidence is currently insufficient to determine the role of this variant in disease. Therefore, it has been classified as a Variant of Uncertain Significance.

Athena Diagnostics
Classification: Uncertain significance. Last evaluated: 2019-01-30. Review status: criteria provided, single submitter. Criteria: Athena Diagnostics Criteria. Collection method: clinical testing. Allele origin: germline.

NM_014845.6(FIG4):c.1199A>G (p.Tyr400Cys)

Gene: FIG4 (FIG4 phosphoinositide 5-phosphatase; plus strand). Cytogenetic location: 6q21.
Variant type: single nucleotide variant.
Coding change: c.1199A>G on transcript NM_014845.6 (MANE Select); coding-DNA position 1199, A replaced by G.
Protein change: p.Tyr400Cys; replaces tyrosine 400 with cysteine.
Molecular consequence: missense variant.
Genome position (GRCh38, 1-based): chr6:109,760,311, A>G. VCF-style: chr6-109760311-A-G. GRCh37 (hg19) VCF-style: chr6-110081514-A-G.
Other names: short protein forms Y400C.
Identifiers: ClinVar variation 580879 (VCV000580879.6), dbSNP rs755232396, ClinGen allele CA3956012.